The following is an entry in ClinVar:

NM_004655.4(AXIN2):c.1774C>T (p.Leu592=)

Gene: AXIN2 (axin 2; minus strand). Cytogenetic location: 17q24.1.
Variant type: single nucleotide variant.
Coding change: c.1774C>T on transcript NM_004655.4 (MANE Select); coding-DNA position 1774, C replaced by T.
Protein change: p.Leu592=; no amino-acid change (leucine 592 retained).
Molecular consequence: synonymous variant. On other transcripts: intron variant (1).
Genome position (GRCh38, 1-based): chr17:65,537,002, G>A on the plus strand (C>T on the coding strand, the complement: AXIN2 is on the minus strand). VCF-style: chr17-65537002-G-A. GRCh37 (hg19) VCF-style: chr17-63533120-G-A.
Other names: c.1712+322C>T (NM_001363813.1).
Identifiers: ClinVar variation 2793429 (VCV002793429.5), dbSNP rs1159551938, ClinGen allele CA501691129.

ClinVar aggregate classification (germline): Benign/Likely benign. Review status: criteria provided, multiple submitters, no conflicts (2 of 4 stars). 3 submissions from 3 submitters: Benign (1); Likely benign (2). Last evaluated 2025-08-01.

Conditions:
Hereditary cancer-predisposing syndrome. Also called: Hereditary Cancer Syndrome; Neoplastic Syndromes, Hereditary; Tumor predisposition; Hereditary neoplastic syndrome. Identifiers: Orphanet 140162, MedGen C0027672, MeSH D009386, MONDO:0015356.
Oligodontia-cancer predisposition syndrome. Also called: TOOTH AGENESIS-COLORECTAL CANCER SYNDROME. Identifiers: Orphanet 300576, MedGen C1837750, MONDO:0012075, OMIM 608615. Disease mechanism: loss of function.

gnomAD v4.1: 4 of 1,612,172 alleles (0.00025%); highest among the groups gnomAD compares: Non-Finnish European, 0.00034%; no homozygotes.

Submissions (3):

Ambry Genetics
Classification: Likely benign for Hereditary cancer-predisposing syndrome. Last evaluated: 2025-08-01. Review status: criteria provided, single submitter. Criteria: Ambry Variant Classification Scheme 2023. Collection method: clinical testing. Allele origin: germline.

Labcorp Genetics (formerly Invitae), Labcorp
Classification: Likely benign for Oligodontia-cancer predisposition syndrome. Last evaluated: 2024-09-14. Review status: criteria provided, single submitter. Criteria: Invitae Variant Classification Sherloc (09022015). Collection method: clinical testing. Allele origin: germline.

Myriad Genetics, Inc.
Classification: Benign for Oligodontia-cancer predisposition syndrome. Last evaluated: 2024-07-08. Review status: criteria provided, single submitter. Criteria: Myriad Autosomal Dominant, Autosomal Recessive and X-Linked Classification Criteria (2023). Collection method: clinical testing. Allele origin: unknown.
Comment: This variant is considered benign. This variant is a silent/synonymous amino acid change and it is not expected to impact splicing.